The following is an entry in ClinVar:

NM_021098.3(CACNA1H):c.4046C>T (p.Ala1349Val)

Gene: CACNA1H (calcium voltage-gated channel subunit alpha1 H; plus strand). Cytogenetic location: 16p13.3.
Variant type: single nucleotide variant.
Coding change: c.4046C>T on transcript NM_021098.3 (MANE Select); coding-DNA position 4046, C replaced by T.
Protein change: p.Ala1349Val; replaces alanine 1349 with valine.
Molecular consequence: missense variant.
Genome position (GRCh38, 1-based): chr16:1,210,794, C>T. VCF-style: chr16-1210794-C-T. GRCh37 (hg19) VCF-style: chr16-1260794-C-T.
Other names: c.4046C>T, p.Ala1349Val (NM_001005407.2); short protein forms A1349V.
Identifiers: ClinVar variation 3346423 (VCV003346423.3).

ClinVar aggregate classification (germline): Uncertain significance. Review status: criteria provided, single submitter (1 of 4 stars). 2 submissions from 2 submitters: Uncertain significance (1). 1 of the submissions does not count toward it. Last evaluated 2024-06-09.

Conditions:
Hyperaldosteronism, familial, type IV (HALD4). Also called: FH IV; ALDOSTERONISM, PRIMARY, AND HYPERTENSION. Identifiers: Orphanet 642671, MedGen C4310756, MONDO:0014875, OMIM 617027.
Idiopathic generalized epilepsy. Also called: EIG; Generalised epilepsy. Identifiers: MedGen C0270850, MONDO:0005579, OMIM 600669.
CACNA1H-related disorder.

gnomAD v4.1: 9 of 1,600,838 alleles (0.00056%); highest among the groups gnomAD compares: Non-Finnish European, 0.00068%; no homozygotes.

Submissions (2):

Labcorp Genetics (formerly Invitae), Labcorp
Classification: Uncertain significance for Idiopathic generalized epilepsy; Hyperaldosteronism, familial, type IV. Last evaluated: 2024-06-09. Review status: criteria provided, single submitter. Criteria: Invitae Variant Classification Sherloc (09022015). Collection method: clinical testing. Allele origin: germline.
Comment: This sequence change replaces alanine, which is neutral and non-polar, with valine, which is neutral and non-polar, at codon 1349 of the CACNA1H protein (p.Ala1349Val). This variant is present in population databases (no rsID available, gnomAD 0.0008%). This variant has not been reported in the literature in individuals affected with CACNA1H-related conditions. Advanced modeling of protein sequence and biophysical properties (such as structural, functional, and spatial information, amino acid conservation, physicochemical variation, residue mobility, and thermodynamic stability) performed at Invitae indicates that this missense variant is expected to disrupt CACNA1H protein function with a positive predictive value of 80%. In summary, the available evidence is currently insufficient to determine the role of this variant in disease. Therefore, it has been classified as a Variant of Uncertain Significance.

PreventionGenetics, part of Exact Sciences
Classification: Uncertain significance for CACNA1H-related condition. Last evaluated: 2024-07-03. Review status: no assertion criteria provided. Collection method: clinical testing. Allele origin: germline. Not counted in ClinVar's aggregate classification.
Comment: The CACNA1H c.4046C>T variant is predicted to result in the amino acid substitution p.Ala1349Val. To our knowledge, this variant has not been reported in the literature. This variant is reported in 0.00079% of alleles in individuals of European (Non-Finnish) descent in gnomAD. Of note, a different substitution at the same codon, defined as c.4045G>A (p.Ala1349Thr), was reported in an individual with early-onset epileptic encephalopathy (Jiang et al. 2023. PubMed ID: 37593999). At this time, the clinical significance of the c.4046C>T (p.Ala1349Val) variant is uncertain due to the absence of conclusive functional and genetic evidence.